The following is an entry in ClinVar:

ClinVar aggregate classification (germline): Pathogenic. Review status: criteria provided, multiple submitters, no conflicts (2 of 4 stars). 3 submissions from 3 submitters: Pathogenic (3). Last evaluated 2025-04-03.

Conditions:
Alveolar capillary dysplasia with pulmonary venous misalignment. Also called: Congenital alveolar capillary dysplasia; Alveolar capillary dysplasia with misalignment of pulmonary veins; ALVEOLAR CAPILLARY DYSPLASIA WITH MISALIGNMENT OF PULMONARY VEINS AND OTHER CONGENITAL ANOMALIES. Identifiers: Orphanet 210122, MedGen C2960310, MONDO:0009934, OMIM 265380.

Submissions (3):

Rady Children's Institute for Genomic Medicine, Rady Children's Hospital San Diego
Classification: Pathogenic for Alveolar capillary dysplasia with misalignment of pulmonary veins. Last evaluated: 2025-04-03. Review status: criteria provided, single submitter. Criteria: ACMG Guidelines, 2015. Collection method: clinical testing. Allele origin: germline. Affected: yes.
Comment: This nonsense variant found in exon 1 of 2 is predicted to result in loss of normal protein function through either protein truncation or nonsense-mediated mRNA decay. Loss-of-function variation in FOXF1 is an established mechanism of disease (PMID: 23505205, 19500772). This variant has been previously reported as a de novo change in a patient with prenatal fetal right-sided abdominopelvic cystic mass and postnatal pulmonary hypertension, long segment Hirschsprung disease, and duodenal volvulus (PMID: 27439648, 28469849). Additionally, this variant was reported in a patient with anal atresia, cryptorchidism, coarctation of aorta, and ventricular septal defect (PMID: 36474027). The c.668C>A (p.Ser223Ter) variant is absent from the latest version of the gnomAD population database and thus is presumed to be rare. Based on parental analysis, this variant likely occurred as a de novo event. Based on the available evidence, c.668C>A (p.Ser223Ter) is classified as Pathogenic.

Daryl Scott Lab, Baylor College of Medicine
Classification: Pathogenic for Alveolar capillary dysplasia with pulmonary venous misalignment. Last evaluated: 2022-02-01. Review status: criteria provided, single submitter. Criteria: ACMG Guidelines, 2015. Collection method: clinical testing. Allele origin: de novo. Affected: yes. Observed: 1 variant allele.

Baylor Genetics
Classification: Pathogenic for Alveolar capillary dysplasia with pulmonary venous misalignment. Last evaluated: 2019-10-15. Review status: criteria provided, single submitter. Criteria: ACMG Guidelines, 2015. Collection method: clinical testing. Allele origin: de novo. Affected: yes.
Comment: This variant was determined to be pathogenic according to ACMG Guidelines, 2015 [PMID:25741868]. This variant has been previously reported in one patient as disease-causing [PMID: 27439648, 28469849]

Literature cited by the submitters: PubMed 23505205 (cited by Rady Children's Institute for Genomic Medicine, Rady Children's Hospital San Diego); PubMed 19500772 (cited by Rady Children's Institute for Genomic Medicine, Rady Children's Hospital San Diego); PubMed 27439648 (cited by Rady Children's Institute for Genomic Medicine, Rady Children's Hospital San Diego and Baylor Genetics); PubMed 28469849 (cited by Rady Children's Institute for Genomic Medicine, Rady Children's Hospital San Diego and Baylor Genetics); PubMed 36474027 (cited by Rady Children's Institute for Genomic Medicine, Rady Children's Hospital San Diego and Daryl Scott Lab, Baylor College of Medicine).

NM_001451.3(FOXF1):c.668C>A (p.Ser223Ter)

Gene: FOXF1 (forkhead box F1; plus strand). Cytogenetic location: 16q24.1.
Variant type: single nucleotide variant.
Coding change: c.668C>A on transcript NM_001451.3 (MANE Select); coding-DNA position 668, C replaced by A.
Protein change: p.Ser223Ter; replaces serine 223 with a stop codon.
Molecular consequence: nonsense.
Genome position (GRCh38, 1-based): chr16:86,511,237, C>A. VCF-style: chr16-86511237-C-A. GRCh37 (hg19) VCF-style: chr16-86544843-C-A.
Other names: short protein forms S223*.
Identifiers: ClinVar variation 1030400 (VCV001030400.4), dbSNP rs1393788111, ClinGen allele CA397007681.